The following is an entry in ClinVar:

NM_000093.5(COL5A1):c.1774-1G>A

Gene: COL5A1 (collagen type V alpha 1 chain; plus strand). Cytogenetic location: 9q34.3.
Variant type: single nucleotide variant.
Coding change: c.1774-1G>A on transcript NM_000093.5 (MANE Select); the canonical splice acceptor site of the intron before coding-DNA position 1774, G replaced by A.
Molecular consequence: splice acceptor variant.
Genome position (GRCh38, 1-based): chr9:134,754,272, G>A. VCF-style: chr9-134754272-G-A. GRCh37 (hg19) VCF-style: chr9-137646118-G-A.
Other names: c.1774-1G>A (NM_001278074.1).
Identifiers: ClinVar variation 1066144 (VCV001066144.8), dbSNP rs2132690733, ClinGen allele CA375444949.

ClinVar aggregate classification (germline): Likely pathogenic (1 of 4 stars; one submission).

Conditions:
Ehlers-Danlos syndrome, classic type, 1 (EDSCL1). Also called: EHLERS-DANLOS SYNDROME, GRAVIS TYPE; EHLERS-DANLOS SYNDROME, SEVERE CLASSIC TYPE; EDS I; Ehlers-Danlos Syndrome, Classic Type, COL5A1-Related; Ehlers-Danlos syndrome, type 1. Identifiers: MedGen C0268335, MONDO:0019567, OMIM 130000.

Submission:

Labcorp Genetics (formerly Invitae), Labcorp
Classification: Likely pathogenic for Ehlers-Danlos syndrome, classic type, 1. Last evaluated: 2022-08-10. Review status: criteria provided, single submitter. Criteria: Invitae Variant Classification Sherloc (09022015). Collection method: clinical testing. Allele origin: germline.
Comment: This sequence change affects an acceptor splice site in intron 15 of the COL5A1 gene. It is expected to disrupt RNA splicing. Variants that disrupt the donor or acceptor splice site typically lead to a loss of protein function (PMID: 16199547), and loss-of-function variants in COL5A1 are known to be pathogenic (PMID: 23587214). This variant is not present in population databases (gnomAD no frequency). This variant has not been reported in the literature in individuals affected with COL5A1-related conditions. ClinVar contains an entry for this variant (Variation ID: 1066144). Algorithms developed to predict the effect of sequence changes on RNA splicing suggest that this variant may disrupt the consensus splice site. In summary, the currently available evidence indicates that the variant is pathogenic, but additional data are needed to prove that conclusively. Therefore, this variant has been classified as Likely Pathogenic.

Literature cited by the submitters: PubMed 16199547; PubMed 23587214.